The following is an entry in ClinVar:

NM_001048174.2(MUTYH):c.261_263del (p.Arg88del)

Gene: MUTYH (mutY DNA glycosylase; minus strand). Cytogenetic location: 1p34.1.
Variant type: Deletion.
Coding change: c.261_263del on transcript NM_001048174.2 (MANE Select); coding-DNA positions 261 to 263, 3 bases deleted (ACG; older notation c.261_263delACG).
Protein change: p.Arg88del; deletes arginine 88.
Molecular consequence: inframe deletion. On other transcripts: 5 prime UTR variant (6), non-coding transcript variant (7), inframe indel (1).
Genome position (GRCh38, 1-based): chr1:45,333,414-45,333,416, CGT deleted on the plus strand (ACG on the coding strand, the reverse complement: MUTYH is on the minus strand); deleting any 3 consecutive bases within chr1:45,333,414-45,333,417 gives the same sequence; the c. name uses the placement nearest the transcript's 3' end. VCF-style (leftmost placement, unchanged base first): chr1-45333413-CCGT-C. GRCh37 (hg19) VCF-style: chr1-45799085-CCGT-C.
Other names: c.294_296del, p.Arg99del (NM_001407077.1, NM_001293191.2); c.264_266del, p.Arg89del (NM_001407078.1, NM_001407079.1, NM_001407086.1 and 2 more transcripts); c.261_263del, p.Arg88del (NM_001407080.1, NM_001407081.1, NM_001407088.1 and 6 more transcripts); c.-11_-9del (NM_001407082.1, NM_001350650.2, NM_001350651.2); c.303_305del, p.Arg102del (NM_001407083.1, NM_001407085.1, NM_001407073.1); c.282_284del, p.Arg95del (NM_001407087.1); c.-16_-14del (NM_001407091.1, NM_001293192.2, NM_001293196.2); c.336_338del, p.Arg113del (NM_012222.3, NM_001407069.1); and 4 more; short protein forms R88del, R102del, R113del, R116del, R60del, R99del, R103del, R89del.
Identifiers: ClinVar variation 2567631 (VCV002567631.3), dbSNP rs2524259789, ClinGen allele CA2580611214.

ClinVar aggregate classification (germline): Uncertain significance (1 of 4 stars; one submission).

Conditions:
Hereditary cancer-predisposing syndrome. Also called: Hereditary neoplastic syndrome; Hereditary Cancer Syndrome; Neoplastic Syndromes, Hereditary; Tumor predisposition. Identifiers: Orphanet 140162, MedGen C0027672, MeSH D009386, MONDO:0015356.

Submission:

Ambry Genetics
Classification: Uncertain significance for Hereditary cancer-predisposing syndrome. Last evaluated: 2024-05-15. Review status: criteria provided, single submitter. Criteria: Ambry Variant Classification Scheme 2023. Collection method: clinical testing. Allele origin: germline.
Comment: The c.345_347delACG variant (also known as p.R116del) is located in coding exon 3 of the MUTYH gene. This variant results from an in-frame ACG deletion at nucleotide positions 345 to 347. This results in the in-frame deletion of an arginine at codon 116. This amino acid position is poorly conserved in available vertebrate species. In addition, the in silico prediction for this alteration is inconclusive (Choi Y et al. PLoS ONE. 2012; 7(10):e46688). Based on the available evidence, the clinical significance of this variant remains unclear.